The following is an entry in ClinVar:

NM_005228.5(EGFR):c.731G>C (p.Arg244Pro)

Gene: EGFR (epidermal growth factor receptor; plus strand). Cytogenetic location: 7p11.2.
Variant type: single nucleotide variant.
Coding change: c.731G>C on transcript NM_005228.5 (MANE Select); coding-DNA position 731, G replaced by C.
Protein change: p.Arg244Pro; replaces arginine 244 with proline.
Molecular consequence: missense variant. On other transcripts: intron variant (1).
Genome position (GRCh38, 1-based): chr7:55,152,648, G>C. VCF-style: chr7-55152648-G-C. GRCh37 (hg19) VCF-style: chr7-55220341-G-C.
Other names: c.596G>C, p.Arg199Pro (NM_001346897.2, NM_001346899.2); c.731G>C, p.Arg244Pro (NM_001346898.2, NM_201282.2, NM_201283.2 and 1 more transcripts); c.572G>C, p.Arg191Pro (NM_001346900.2); c.89-3182G>C (NM_001346941.2); short protein forms R191P, R199P, R244P.
Identifiers: ClinVar variation 1394212 (VCV001394212.6), dbSNP rs200664836, ClinGen allele CA367577537.
Genomic context (GRCh38, chr7:55,152,648, plus strand): 5'-GTGGCAAGTCCCCCAGTGACTGCTGCCACAACCAGTGTGCTGCAGGCTGCACAGGCCCCC[G>C]GGAGAGCGACTGCCTGGTAAGATGCCCCTCCAGCAGCCTCCCTGGAGCAGGCTGGGGCTG-3'
Protein context (NP_005219.2, residues 234-254): NQCAAGCTGP[Arg244Pro]ESDCLVCRKF

ClinVar aggregate classification (germline): Uncertain significance (1 of 4 stars; one submission).

Conditions:
EGFR-related lung cancer (EGFR). Identifiers: MedGen CN130014.

Submission:

Labcorp Genetics (formerly Invitae), Labcorp
Classification: Uncertain significance for EGFR-related lung cancer. Last evaluated: 2024-04-08. Review status: criteria provided, single submitter. Criteria: Invitae Variant Classification Sherloc (09022015). Collection method: clinical testing. Allele origin: germline.
Comment: This sequence change replaces arginine, which is basic and polar, with proline, which is neutral and non-polar, at codon 244 of the EGFR protein (p.Arg244Pro). This variant is not present in population databases (gnomAD no frequency). This variant has not been reported in the literature in individuals affected with EGFR-related conditions. ClinVar contains an entry for this variant (Variation ID: 1394212). Advanced modeling of protein sequence and biophysical properties (such as structural, functional, and spatial information, amino acid conservation, physicochemical variation, residue mobility, and thermodynamic stability) performed at Invitae indicates that this missense variant is not expected to disrupt EGFR protein function with a negative predictive value of 80%. In summary, the available evidence is currently insufficient to determine the role of this variant in disease. Therefore, it has been classified as a Variant of Uncertain Significance.